The following is an entry in ClinVar:

NM_001130004.2(ACTN1):c.2342A>G (p.Asp781Gly)

Gene: ACTN1 (actinin alpha 1; minus strand). Cytogenetic location: 14q24.1.
Variant type: single nucleotide variant.
Coding change: c.2342A>G on transcript NM_001130004.2 (MANE Select); coding-DNA position 2342, A replaced by G.
Protein change: p.Asp781Gly; replaces aspartic acid 781 with glycine.
Molecular consequence: missense variant. On other transcripts: intron variant (1).
Genome position (GRCh38, 1-based): chr14:68,879,008, T>C on the plus strand (A>G on the coding strand, the complement: ACTN1 is on the minus strand). VCF-style: chr14-68879008-T-C. GRCh37 (hg19) VCF-style: chr14-69345725-T-C.
Other names: NC_000014.8:g.69345725T>C; c.2342A>G, p.Asp781Gly (NM_001102.4); c.2281-485A>G (NM_001130005.2); short protein forms D781G.
Identifiers: ClinVar variation 1698087 (VCV001698087.3), dbSNP rs2140058711, ClinGen allele CA390181378.

ClinVar aggregate classification (germline): Uncertain significance (1 of 4 stars; one submission).

Submissions (2):

GeneDx
Classification: Uncertain significance. Last evaluated: 2022-01-25. Review status: criteria provided, single submitter. Criteria: GeneDx Variant Classification Process June 2021. Collection method: clinical testing. Allele origin: germline. Affected: yes.
Comment: Has not been previously published as pathogenic or benign to our knowledge; Not observed at significant frequency in large population cohorts (gnomAD); In silico analysis supports that this missense variant has a deleterious effect on protein structure/function

Dr. Peter K. Rogan Lab, Western University
No classification provided (evidence only). Condition: Colon adenocarcinoma. Review status: no classification provided. Collection method: in vitro. Allele origin: not applicable. Functional consequence: retained intron. Not counted in ClinVar's aggregate classification.